The following is an entry in ClinVar:

NM_015378.4(VPS13D):c.11053G>T (p.Ala3685Ser)

Gene: VPS13D (vacuolar protein sorting 13 homolog D; plus strand). Cytogenetic location: 1p36.22.
Variant type: single nucleotide variant.
Coding change: c.11053G>T on transcript NM_015378.4 (MANE Select); coding-DNA position 11053, G replaced by T.
Protein change: p.Ala3685Ser; replaces alanine 3685 with serine.
Molecular consequence: missense variant.
Genome position (GRCh38, 1-based): chr1:12,378,563, G>T. VCF-style: chr1-12378563-G-T. GRCh37 (hg19) VCF-style: chr1-12438617-G-T.
Other names: c.10978G>T, p.Ala3660Ser (NM_018156.4); c.11053G>T (NM_015378.2); short protein forms A3660S, A3685S.
Identifiers: ClinVar variation 1907602 (VCV001907602.7), dbSNP rs1044807135, ClinGen allele CA18069615.
Genomic context (GRCh38, chr1:12,378,563, plus strand): 5'-CACAATCCCAATAAGCCCTCAGCCGCCCGCTCCACCGAGGGGTCTGCCATCTTAGATATT[G>T]CTGGTCTCGCTGCAGTGACTGACAACAGGTAATTTTCTAGGCAACTTTTGATTCAAGCTC-3'
Protein context (NP_056193.2, residues 3675-3695): STEGSAILDI[Ala3685Ser]GLAAVTDNRY

ClinVar aggregate classification (germline): Uncertain significance. Review status: criteria provided, multiple submitters, no conflicts (2 of 4 stars). 2 submissions from 2 submitters: Uncertain significance (2). Last evaluated 2023-02-23.

Conditions:
Inborn genetic diseases. Identifiers: MedGen C0950123, MeSH D030342.

Allele frequency attached by ClinVar (database versions not stated): gnomAD exomes below 0.00001; gnomAD 0.00002; TOPMed 0.00008.
gnomAD v4.1: 17 of 1,600,550 alleles (0.0011%); highest among the groups gnomAD compares: Admixed American, 0.0035%; 1 homozygote.

Submissions (2):

Ambry Genetics
Classification: Uncertain significance for Inborn genetic diseases. Last evaluated: 2023-02-23. Review status: criteria provided, single submitter. Criteria: Ambry Variant Classification Scheme 2023. Collection method: clinical testing. Allele origin: germline.

Labcorp Genetics (formerly Invitae), Labcorp
Classification: Uncertain significance. Last evaluated: 2022-07-01. Review status: criteria provided, single submitter. Criteria: Invitae Variant Classification Sherloc (09022015). Collection method: clinical testing. Allele origin: germline.
Comment: In summary, the available evidence is currently insufficient to determine the role of this variant in disease. Therefore, it has been classified as a Variant of Uncertain Significance. This sequence change replaces alanine, which is neutral and non-polar, with serine, which is neutral and polar, at codon 3685 of the VPS13D protein (p.Ala3685Ser). This variant is present in population databases (no rsID available, gnomAD 0.004%). This variant has not been reported in the literature in individuals affected with VPS13D-related conditions. Algorithms developed to predict the effect of missense changes on protein structure and function are either unavailable or do not agree on the potential impact of this missense change (SIFT: "Not Available"; PolyPhen-2: "Benign"; Align-GVGD: "Not Available").